The following is an entry in ClinVar:

ClinVar aggregate classification (germline): Likely pathogenic (1 of 4 stars; one submission).

Submission:

GeneDx
Classification: Likely pathogenic. Last evaluated: 2023-06-17. Review status: criteria provided, single submitter. Criteria: GeneDx Variant Classification Process June 2021. Collection method: clinical testing. Allele origin: germline. Affected: yes.
Comment: Canonical splice site variant predicted to result in a null allele in a gene for which loss-of-function is a known mechanism of disease; Not observed at significant frequency in large population cohorts (gnomAD); Has not been previously published as pathogenic or benign to our knowledge; This variant is associated with the following publications: (PMID: 27535533)

NM_001930.4(DHPS):c.785-1G>C

Gene: DHPS (deoxyhypusine synthase; minus strand). Cytogenetic location: 19p13.13.
Variant type: single nucleotide variant.
Coding change: c.785-1G>C on transcript NM_001930.4 (MANE Select); the canonical splice acceptor site of the intron before coding-DNA position 785, G replaced by C.
Molecular consequence: splice acceptor variant. On other transcripts: intron variant (2).
Genome position (GRCh38, 1-based): chr19:12,677,212, C>G on the plus strand (G>C on the coding strand, the complement: DHPS is on the minus strand). VCF-style: chr19-12677212-C-G. GRCh37 (hg19) VCF-style: chr19-12788026-C-G.
Other names: c.236-1G>C (NM_001369693.1); c.784+79G>C (NM_001369692.1, NM_013406.3); c.785-1G>C (NM_001369691.1); c.659-1G>C (NM_001206974.2).
Identifiers: ClinVar variation 2506774 (VCV002506774.1), dbSNP rs2512546825, ClinGen allele CA404274544.